The following is an entry in ClinVar:

NM_006361.6(HOXB13):c.367C>G (p.Arg123Gly)

Gene: HOXB13 (homeobox B13; minus strand). Cytogenetic location: 17q21.32.
Variant type: single nucleotide variant.
Coding change: c.367C>G on transcript NM_006361.6 (MANE Select); coding-DNA position 367, C replaced by G.
Protein change: p.Arg123Gly; replaces arginine 123 with glycine.
Molecular consequence: missense variant.
Genome position (GRCh38, 1-based): chr17:48,728,227, G>C on the plus strand (C>G on the coding strand, the complement: HOXB13 is on the minus strand). VCF-style: chr17-48728227-G-C. GRCh37 (hg19) VCF-style: chr17-46805589-G-C.
Other names: short protein forms R123G.
Identifiers: ClinVar variation 3526296 (VCV003526296.1).

ClinVar aggregate classification (germline): Uncertain significance (1 of 4 stars; one submission).

Conditions:
Hereditary cancer-predisposing syndrome. Also called: Hereditary Cancer Syndrome; Hereditary neoplastic syndrome; Tumor predisposition; Neoplastic Syndromes, Hereditary. Identifiers: Orphanet 140162, MedGen C0027672, MeSH D009386, MONDO:0015356.

Submission:

Ambry Genetics
Classification: Uncertain significance for Hereditary cancer-predisposing syndrome. Last evaluated: 2024-11-08. Review status: criteria provided, single submitter. Criteria: Ambry Variant Classification Scheme 2023. Collection method: clinical testing. Allele origin: germline.
Comment: The p.R123G variant (also known as c.367C>G), located in coding exon 1 of the HOXB13 gene, results from a C to G substitution at nucleotide position 367. The arginine at codon 123 is replaced by glycine, an amino acid with dissimilar properties. This amino acid position is highly conserved in available vertebrate species. In addition, this alteration is predicted to be tolerated by in silico analysis. Based on the available evidence, the clinical significance of this variant remains unclear.